The following is an entry in ClinVar:

NM_000038.6(APC):c.136-18T>C

Gene: APC (APC regulator of Wnt signaling pathway; plus strand). Cytogenetic location: 5q22.2.
Variant type: single nucleotide variant.
Coding change: c.136-18T>C on transcript NM_000038.6 (MANE Select); 18 bases into the intron before coding-DNA position 136, T replaced by C.
Molecular consequence: intron variant.
Genome position (GRCh38, 1-based): chr5:112,766,308, T>C. VCF-style: chr5-112766308-T-C. GRCh37 (hg19) VCF-style: chr5-112102005-T-C.
Other names: c.136-18T>C (NM_001354895.2, NM_001127510.3, NM_001354896.2 and 2 more transcripts); c.166-18T>C (NM_001354897.2, NM_001354902.2, NM_001127511.3); c.61-18T>C (NM_001354898.2, NM_001354904.2); c.-900-18T>C (NM_001354906.2); c.-42-18T>C (NM_001354900.2, NM_001354901.2, NM_001354905.2).
Identifiers: ClinVar variation 492652 (VCV000492652.14), dbSNP rs1261769588, ClinGen allele CA561903217.

ClinVar aggregate classification (germline): Likely benign. Review status: criteria provided, multiple submitters, no conflicts (2 of 4 stars). 4 submissions from 4 submitters: Likely benign (3). 1 of the submissions does not count toward it. Last evaluated 2025-11-09.

Conditions:
Familial adenomatous polyposis 1 (FAP1). Also called: FAMILIAL ADENOMATOUS POLYPOSIS 1, ATTENUATED; POLYPOSIS, ADENOMATOUS INTESTINAL. Identifiers: MedGen C2713442, MONDO:0021056, OMIM 175100. Disease mechanism: loss of function.

Allele frequency attached by ClinVar (database versions not stated): TOPMed below 0.00001; gnomAD 0.00001.
gnomAD v4.1: 2 of 1,487,056 alleles (0.00013%); highest among the groups gnomAD compares: Admixed American, 0.0017%; no homozygotes.

Submissions (4):

Labcorp Genetics (formerly Invitae), Labcorp
Classification: Likely benign for Familial adenomatous polyposis 1. Last evaluated: 2025-11-09. Review status: criteria provided, single submitter. Criteria: Invitae Variant Classification Sherloc (09022015). Collection method: clinical testing. Allele origin: germline.

Myriad Genetics, Inc.
Classification: Likely benign for Familial adenomatous polyposis 1. Last evaluated: 2024-02-22. Review status: criteria provided, single submitter. Criteria: Myriad Autosomal Dominant, Autosomal Recessive and X-Linked Classification Criteria (2023). Collection method: clinical testing. Allele origin: unknown.
Comment: This variant is considered likely benign. This variant is intronic and is not expected to impact mRNA splicing.

Breakthrough Genomics
Classification: Likely benign. Review status: criteria provided, single submitter. Criteria: ACMG Guidelines, 2015. Collection method: not provided. Allele origin: germline. Inheritance: Autosomal dominant inheritance. Affected: yes.

Mayo Clinic Laboratories, Mayo Clinic
Classification: Likely benign. Review status: no assertion criteria provided. Collection method: clinical testing. Allele origin: unknown. Observed: 1 variant allele. Not counted in ClinVar's aggregate classification.